The following is an entry in ClinVar:

NM_001369.3(DNAH5):c.13778C>T (p.Thr4593Met)

Gene: DNAH5 (dynein axonemal heavy chain 5; minus strand). Cytogenetic location: 5p15.2.
Variant type: single nucleotide variant.
Coding change: c.13778C>T on transcript NM_001369.3 (MANE Select); coding-DNA position 13778, C replaced by T.
Protein change: p.Thr4593Met; replaces threonine 4593 with methionine.
Molecular consequence: missense variant.
Genome position (GRCh38, 1-based): chr5:13,692,081, G>A on the plus strand (C>T on the coding strand, the complement: DNAH5 is on the minus strand). VCF-style: chr5-13692081-G-A. GRCh37 (hg19) VCF-style: chr5-13692190-G-A.
Other names: short protein forms T4593M.
Identifiers: ClinVar variation 219653 (VCV000219653.17), dbSNP rs142036266, ClinGen allele CA348633.

ClinVar aggregate classification (germline): Conflicting classifications of pathogenicity. Review status: criteria provided, conflicting classifications (1 of 4 stars). 4 submissions from 4 submitters: Uncertain significance (2); Benign (1). 1 of the submissions does not count toward it. Last evaluated 2026-08-28.

Conditions:
Primary ciliary dyskinesia. Also called: Ciliary dyskinesia. Identifiers: Orphanet 244, MedGen C0008780, MONDO:0016575, HP:0012265.
Primary ciliary dyskinesia 3. Identifiers: Orphanet 244, MedGen C1837618, MONDO:0012085, OMIM 608644.

Allele frequency attached by ClinVar (database versions not stated): gnomAD exomes 0.00007 and 0.00012; ExAC 0.00012; 1000 Genomes Project 30x 0.00031; gnomAD 0.00035 and 0.00039; ESP Exome Variant Server 0.00038; 1000 Genomes Project 0.00040; TOPMed 0.00042.
gnomAD v4.1: 156 of 1,614,060 alleles (0.0097%); highest among the groups gnomAD compares: African/African-American, 0.13%; no homozygotes.

Submissions (4):

GeneDx
Classification: Uncertain significance. Last evaluated: 2026-08-28. Review status: criteria provided, single submitter. Criteria: GeneDx Variant Classification Process June 2021. Collection method: clinical testing. Allele origin: germline.
Comment: In silico analysis supports that this missense variant has a deleterious effect on protein structure/function; This variant is associated with the following publications: (PMID: 38206729, 34962988)

Labcorp Genetics (formerly Invitae), Labcorp
Classification: Benign for Primary ciliary dyskinesia. Last evaluated: 2025-11-23. Review status: criteria provided, single submitter. Criteria: Invitae Variant Classification Sherloc (09022015). Collection method: clinical testing. Allele origin: germline.

Illumina Laboratory Services, Illumina
Classification: Uncertain significance for Primary ciliary dyskinesia 3. Last evaluated: 2018-01-12. Review status: criteria provided, single submitter. Criteria: ICSL Variant Classification Criteria 13 December 2019. Collection method: clinical testing. Allele origin: germline.

Natera, Inc.
Classification: Uncertain significance for Primary ciliary dyskinesia. Last evaluated: 2019-11-11. Review status: no assertion criteria provided. Collection method: clinical testing. Allele origin: germline. Not counted in ClinVar's aggregate classification.